The following is an entry in ClinVar:

NM_012448.4(STAT5B):c.98A>G (p.Tyr33Cys)

Gene: STAT5B (signal transducer and activator of transcription 5B; minus strand). Cytogenetic location: 17q21.2.
Variant type: single nucleotide variant.
Coding change: c.98A>G on transcript NM_012448.4 (MANE Select); coding-DNA position 98, A replaced by G.
Protein change: p.Tyr33Cys; replaces tyrosine 33 with cysteine.
Molecular consequence: missense variant.
Genome position (GRCh38, 1-based): chr17:42,232,030, T>C on the plus strand (A>G on the coding strand, the complement: STAT5B is on the minus strand). VCF-style: chr17-42232030-T-C. GRCh37 (hg19) VCF-style: chr17-40384048-T-C.
Other names: short protein forms Y33C.
Identifiers: ClinVar variation 2126032 (VCV002126032.4), dbSNP rs2508803496, ClinGen allele CA399593633.
Genomic context (GRCh38, chr17:42,232,030, plus strand): 5'-AATATGATGCAAACATCCTTGTTCACCTACCATGCTTGGCTTTCAATCCACTGGGATAAA[T>C]AATGCCGCACCTCAATGGGAAAATGCTGGCCATATAACGCTTGCATCTGATGAAGGGCTT-3'
Protein context (NP_036580.2, residues 23-43): GQHFPIEVRH[Tyr33Cys]LSQWIESQAW

ClinVar aggregate classification (germline): Uncertain significance (1 of 4 stars; one submission).

Conditions:
Growth hormone insensitivity with immune dysregulation 1, autosomal recessive. Also called: Laron syndrome with immunodeficiency; GROWTH HORMONE INSENSITIVITY SYNDROME WITH IMMUNE DYSREGULATION 1, AUTOSOMAL RECESSIVE; GROWTH HORMONE INSENSITIVITY DUE TO POSTRECEPTOR DEFECT; LARON SYNDROME DUE TO POSTRECEPTOR DEFECT. Identifiers: Orphanet 220465, MedGen C5435698, MONDO:0100211, OMIM 245590.

Submission:

Labcorp Genetics (formerly Invitae), Labcorp
Classification: Uncertain significance for Growth hormone insensitivity with immune dysregulation 1, autosomal recessive. Last evaluated: 2022-04-13. Review status: criteria provided, single submitter. Criteria: Invitae Variant Classification Sherloc (09022015). Collection method: clinical testing. Allele origin: germline.
Comment: In summary, the available evidence is currently insufficient to determine the role of this variant in disease. Therefore, it has been classified as a Variant of Uncertain Significance. Algorithms developed to predict the effect of missense changes on protein structure and function are either unavailable or do not agree on the potential impact of this missense change (SIFT: "Tolerated"; PolyPhen-2: "Probably Damaging"; Align-GVGD: "Class C0"). This variant has not been reported in the literature in individuals affected with STAT5B-related conditions. This variant is not present in population databases (gnomAD no frequency). This sequence change replaces tyrosine, which is neutral and polar, with cysteine, which is neutral and slightly polar, at codon 33 of the STAT5B protein (p.Tyr33Cys).